The following is an entry in ClinVar:

NM_206933.4(USH2A):c.13553T>C (p.Ile4518Thr)

Gene: USH2A (usherin; minus strand). Cytogenetic location: 1q41.
Variant type: single nucleotide variant.
Coding change: c.13553T>C on transcript NM_206933.4 (MANE Select); coding-DNA position 13553, T replaced by C.
Protein change: p.Ile4518Thr; replaces isoleucine 4518 with threonine.
Molecular consequence: missense variant.
Genome position (GRCh38, 1-based): chr1:215,674,358, A>G on the plus strand (T>C on the coding strand, the complement: USH2A is on the minus strand). VCF-style: chr1-215674358-A-G. GRCh37 (hg19) VCF-style: chr1-215847700-A-G.
Other names: c.13553T>C (NM_206933.2); short protein forms I4518T.
Identifiers: ClinVar variation 2834877 (VCV002834877.4), dbSNP rs2464894689, ClinGen allele CA344844644.

ClinVar aggregate classification (germline): Uncertain significance. Review status: criteria provided, multiple submitters, no conflicts (2 of 4 stars). 2 submissions from 2 submitters: Uncertain significance (2). Last evaluated 2024-01-22.

Conditions:
Inborn genetic diseases. Identifiers: MedGen C0950123, MeSH D030342.

gnomAD v4.1: 1 of 1,613,898 alleles (0.000062%); highest among the groups gnomAD compares: Non-Finnish European, 0.000085%; no homozygotes.

Submissions (2):

Ambry Genetics
Classification: Uncertain significance for Inborn genetic diseases. Last evaluated: 2024-01-22. Review status: criteria provided, single submitter. Criteria: Ambry Variant Classification Scheme 2023. Collection method: clinical testing. Allele origin: germline.

Labcorp Genetics (formerly Invitae), Labcorp
Classification: Uncertain significance. Last evaluated: 2023-02-14. Review status: criteria provided, single submitter. Criteria: Invitae Variant Classification Sherloc (09022015). Collection method: clinical testing. Allele origin: germline.
Comment: This variant is not present in population databases (gnomAD no frequency). This sequence change replaces isoleucine, which is neutral and non-polar, with threonine, which is neutral and polar, at codon 4518 of the USH2A protein (p.Ile4518Thr). This variant has not been reported in the literature in individuals affected with USH2A-related conditions. In summary, the available evidence is currently insufficient to determine the role of this variant in disease. Therefore, it has been classified as a Variant of Uncertain Significance. Advanced modeling of protein sequence and biophysical properties (such as structural, functional, and spatial information, amino acid conservation, physicochemical variation, residue mobility, and thermodynamic stability) performed at Invitae indicates that this missense variant is not expected to disrupt USH2A protein function.